The following is an entry in ClinVar:

ClinVar aggregate classification (germline): Likely benign (0 of 4 stars; one submission).

Conditions:
MEFV-related disorder. Also called: MEFV-related disorders; MEFV-related condition.

Allele frequency attached by ClinVar (database versions not stated): gnomAD exomes below 0.00001.
gnomAD v4.1: 3 of 1,614,204 alleles (0.00019%); highest among the groups gnomAD compares: Non-Finnish European, 0.00017%; no homozygotes.

Submission:

PreventionGenetics, part of Exact Sciences
Classification: Likely benign for MEFV-related condition. Last evaluated: 2021-09-07. Review status: no assertion criteria provided. Collection method: clinical testing. Allele origin: germline.
Comment: This variant is classified as likely benign based on ACMG/AMP sequence variant interpretation guidelines (Richards et al. 2015 PMID: 25741868, with internal and published modifications).

NM_000243.3(MEFV):c.84G>A (p.Leu28=)

Gene: MEFV (MEFV innate immunity regulator, pyrin; minus strand). Cytogenetic location: 16p13.3.
Variant type: single nucleotide variant.
Coding change: c.84G>A on transcript NM_000243.3 (MANE Select); coding-DNA position 84, G replaced by A.
Protein change: p.Leu28=; no amino-acid change (leucine 28 retained).
Molecular consequence: synonymous variant.
Genome position (GRCh38, 1-based): chr16:3,256,504, C>T on the plus strand (G>A on the coding strand, the complement: MEFV is on the minus strand). VCF-style: chr16-3256504-C-T. GRCh37 (hg19) VCF-style: chr16-3306504-C-T.
Other names: c.84G>A, p.Leu28= (NM_001198536.2).
Identifiers: ClinVar variation 3029172 (VCV003029172.2), dbSNP rs1423281684, ClinGen allele CA493384637.